The following is an entry in ClinVar:

ClinVar aggregate classification (germline): Uncertain significance (1 of 4 stars; one submission).

Conditions:
Aicardi-Goutieres syndrome 7 (AGS7). Identifiers: Orphanet 51, MedGen C3888244, MONDO:0014367, OMIM 615846.
Singleton-Merten syndrome 1 (SGMRT1). Also called: Widened medullary cavities of bone, aortic calcification, abnormal dentition, and muscular weakness; Syndrome of widened medullary cavities of the metacarpals and phalanges, aortic calcification and abnormal dentition. Identifiers: Orphanet 85191, MedGen C4225427, MONDO:0024535, OMIM 182250.

Allele frequency attached by ClinVar (database versions not stated): TOPMed below 0.00001; gnomAD 0.00001.
gnomAD v4.1: 1 of 1,611,872 alleles (0.000062%); highest among the groups gnomAD compares: Non-Finnish European, 0.000085%; no homozygotes.

Submission:

Labcorp Genetics (formerly Invitae), Labcorp
Classification: Uncertain significance for Aicardi-Goutieres syndrome 7; Singleton-Merten syndrome 1. Last evaluated: 2021-12-24. Review status: criteria provided, single submitter. Criteria: Invitae Variant Classification Sherloc (09022015). Collection method: clinical testing. Allele origin: germline.
Comment: This variant has not been reported in the literature in individuals affected with IFIH1-related conditions. This variant is not present in population databases (gnomAD no frequency). This sequence change replaces tyrosine, which is neutral and polar, with cysteine, which is neutral and slightly polar, at codon 5 of the IFIH1 protein (p.Tyr5Cys). Algorithms developed to predict the effect of missense changes on protein structure and function output the following: SIFT: "Tolerated"; PolyPhen-2: "Benign"; Align-GVGD: "Class C0". The cysteine amino acid residue is found in multiple mammalian species, which suggests that this missense change does not adversely affect protein function. In summary, the available evidence is currently insufficient to determine the role of this variant in disease. Therefore, it has been classified as a Variant of Uncertain Significance.

NM_022168.4(IFIH1):c.14A>G (p.Tyr5Cys)

Gene: IFIH1 (interferon induced with helicase C domain 1; minus strand). Cytogenetic location: 2q24.2.
Variant type: single nucleotide variant.
Coding change: c.14A>G on transcript NM_022168.4 (MANE Select); coding-DNA position 14, A replaced by G.
Protein change: p.Tyr5Cys; replaces tyrosine 5 with cysteine.
Molecular consequence: missense variant.
Genome position (GRCh38, 1-based): chr2:162,318,294, T>C on the plus strand (A>G on the coding strand, the complement: IFIH1 is on the minus strand). VCF-style: chr2-162318294-T-C. GRCh37 (hg19) VCF-style: chr2-163174804-T-C.
Other names: short protein forms Y5C.
Identifiers: ClinVar variation 2056906 (VCV002056906.4), dbSNP rs1485039163, ClinGen allele CA349015082.